The following is an entry in ClinVar:

ClinVar aggregate classification (germline): Uncertain significance (1 of 4 stars; one submission).

Conditions:
Early Myoclonic Encephalopathy. Identifiers: MedGen C0270855.

Submission:

Labcorp Genetics (formerly Invitae), Labcorp
Classification: Uncertain significance for Early Myoclonic Encephalopathy. Last evaluated: 2024-02-06. Review status: criteria provided, single submitter. Criteria: Invitae Variant Classification Sherloc (09022015). Collection method: clinical testing. Allele origin: germline.
Comment: This variant, c.7501_7503dup, results in the insertion of 1 amino acid(s) of the JMJD1C protein (p.Lys2501dup), but otherwise preserves the integrity of the reading frame. This variant is not present in population databases (gnomAD no frequency). This variant has not been reported in the literature in individuals affected with JMJD1C-related conditions. ClinVar contains an entry for this variant (Variation ID: 861260). Experimental studies and prediction algorithms are not available or were not evaluated, and the functional significance of this variant is currently unknown. In summary, the available evidence is currently insufficient to determine the role of this variant in disease. Therefore, it has been classified as a Variant of Uncertain Significance.

NM_032776.3(JMJD1C):c.7501_7503dup (p.Lys2501dup)

Gene: JMJD1C (jumonji domain containing 1C; minus strand). Cytogenetic location: 10q21.3.
Variant type: Duplication.
Coding change: c.7501_7503dup on transcript NM_032776.3 (MANE Select); coding-DNA positions 7501 to 7503, 3 bases duplicated (AAG; older notation c.7501_7503dupAAG).
Protein change: p.Lys2501dup; duplicates lysine 2501.
Molecular consequence: inframe insertion. On other transcripts: non-coding transcript variant (1).
Genome position (GRCh38, 1-based): chr10:63,168,465-63,168,467, CTT duplicated on the plus strand (AAG on the coding strand, the reverse complement: JMJD1C is on the minus strand); duplicating any 3 consecutive bases within chr10:63,168,465-63,168,468 gives the same sequence; the c. name uses the placement nearest the transcript's 3' end. VCF-style (leftmost placement, unchanged base first): chr10-63168464-C-CCTT. GRCh37 (hg19) VCF-style: chr10-64928224-C-CCTT.
Other names: c.6955_6957dup, p.Lys2319dup (NM_001282948.2, NM_001318154.2); c.6637_6639dup, p.Lys2213dup (NM_001318153.2); c.7387_7389dup, p.Lys2463dup (NM_001322252.2); c.6844_6846dup, p.Lys2282dup (NM_001322254.2, NM_001322258.2).
Identifiers: ClinVar variation 861260 (VCV000861260.9), dbSNP rs1842051759, ClinGen allele CA916083131.